The following is an entry in ClinVar:

ClinVar aggregate classification (germline): not provided (0 of 4 stars; one submission).

Conditions:
Familial long QT syndrome (RWS). Also called: Congenital long QT syndrome; Romano-Ward syndrome; VENTRICULAR FIBRILLATION WITH PROLONGED QT INTERVAL. Identifiers: Orphanet 768, MedGen C1141890, MONDO:0019171.

Submission:

Cardiovascular Biomedical Research Unit, Royal Brompton & Harefield NHS Foundation Trust
No classification provided. Condition: Familial long QT syndrome. Review status: no classification provided. Collection method: literature only. Allele origin: germline.
Comment: This variant has been reported as associated with Long QT syndrome in the following publications (PMID:19668779). This is a literature report, and does not necessarily reflect the clinical interpretation of the Imperial College / Royal Brompton Cardiovascular Genetics laboratory.

Literature cited by the submitters: PubMed 19668779; PubMed 22581653.

NM_000238.4(KCNH2):c.1285G>C (p.Ala429Pro)

Gene: KCNH2 (potassium voltage-gated channel subfamily H member 2; minus strand). Cytogenetic location: 7q36.1.
Variant type: single nucleotide variant.
Coding change: c.1285G>C on transcript NM_000238.4 (MANE Select); coding-DNA position 1285, G replaced by C.
Protein change: p.Ala429Pro; replaces alanine 429 with proline.
Molecular consequence: missense variant.
Genome position (GRCh38, 1-based): chr7:150,952,697, C>G on the plus strand (G>C on the coding strand, the complement: KCNH2 is on the minus strand). VCF-style: chr7-150952697-C-G. GRCh37 (hg19) VCF-style: chr7-150649785-C-G.
Other names: c.1285G>C (LRG_288t1); c.265G>C, p.Ala89Pro (NM_001204798.2, NM_172057.3); c.997G>C, p.Ala333Pro (NM_001406753.1, NM_001406756.1); c.1108G>C, p.Ala370Pro (NM_001406755.1); c.985G>C, p.Ala329Pro (NM_001406757.1); c.1285G>C, p.Ala429Pro (NM_172056.3); short protein forms A429P, A89P, A329P, A333P, A370P.
Identifiers: ClinVar variation 67181 (VCV000067181.3), dbSNP rs199473508, ClinGen allele CA004420.